The following is an entry in ClinVar:

ClinVar aggregate classification (germline): Uncertain significance. Review status: criteria provided, multiple submitters, no conflicts (2 of 4 stars). 3 submissions from 3 submitters: Uncertain significance (3). Last evaluated 2026-04-01.

Conditions:
Intellectual developmental disorder with or without epilepsy or cerebellar ataxia. Identifiers: MedGen C4748041, MONDO:0060745, OMIM 618060.

Allele frequency attached by ClinVar (database versions not stated): gnomAD exomes below 0.00001.
gnomAD v4.1: 2 of 1,555,690 alleles (0.00013%); highest among the groups gnomAD compares: Admixed American, 0.0019%; no homozygotes.

Submissions (3):

GeneDx
Classification: Uncertain significance. Last evaluated: 2026-04-01. Review status: criteria provided, single submitter. Criteria: GeneDx Variant Classification Process June 2021. Collection method: clinical testing. Allele origin: germline.
Comment: In silico analysis supports that this missense variant does not alter protein structure/function; Has not been previously published as pathogenic or benign to our knowledge; Not observed in large population cohorts (gnomAD)

Revvity Omics, Revvity
Classification: Uncertain significance for Intellectual developmental disorder with or without epilepsy or cerebellar ataxia. Last evaluated: 2025-06-24. Review status: criteria provided, single submitter. Criteria: ACMG Guidelines, 2015. Collection method: clinical testing. Allele origin: germline.

New York Genome Center
Classification: Uncertain significance for Intellectual developmental disorder with or without epilepsy or cerebellar ataxia. Last evaluated: 2021-06-11. Review status: criteria provided, single submitter. Criteria: NYGC Assertion Criteria 2020. Collection method: clinical testing. Allele origin: inherited. Observed: 1 heterozygote. Study: CSER-NYCKidSeq.

NM_134261.3(RORA):c.32C>T (p.Ala11Val)

Gene: RORA (RAR related orphan receptor A; minus strand). Cytogenetic location: 15q22.2.
Variant type: single nucleotide variant.
Coding change: c.32C>T on transcript NM_134261.3 (MANE Select); coding-DNA position 32, C replaced by T.
Protein change: p.Ala11Val; replaces alanine 11 with valine.
Molecular consequence: missense variant.
Genome position (GRCh38, 1-based): chr15:61,229,187, G>A on the plus strand (C>T on the coding strand, the complement: RORA is on the minus strand). VCF-style: chr15-61229187-G-A. GRCh37 (hg19) VCF-style: chr15-61521386-G-A.
Other names: c.32C>T (NM_134261.2); short protein forms A11V.
Identifiers: ClinVar variation 1696456 (VCV001696456.3), dbSNP rs2140955720, ClinGen allele CA392802457.